The following is an entry in ClinVar:

ClinVar aggregate classification (germline): Uncertain significance. Review status: criteria provided, multiple submitters, no conflicts (2 of 4 stars). 3 submissions from 3 submitters: Uncertain significance (2). 1 of the submissions does not count toward it. Last evaluated 2025-04-28.

Conditions:
Retinitis pigmentosa 80 (RP80). Identifiers: MedGen C4540439, MONDO:0054708, OMIM 617781.
Saldino-Mainzer syndrome (SRTD9). Also called: Renal dysplasia, retinal pigmentary dystrophy, cerebellar ataxia and skeletal dysplasia; CONORENAL SYNDROME; SHORT-RIB THORACIC DYSPLASIA 9 WITHOUT POLYDACTYLY; short-rib thoracic dysplasia 9 with or without polydactyly. Identifiers: Orphanet 140969, MedGen C1849437, MONDO:0009964, OMIM 266920.
IFT140-related disorder. Also called: IFT140-related condition.

Allele frequency attached by ClinVar (database versions not stated): gnomAD exomes 0.00001.
gnomAD v4.1: 5 of 1,614,220 alleles (0.00031%); highest among the groups gnomAD compares: Non-Finnish European, 0.00042%; no homozygotes.

Submissions (3):

Labcorp Genetics (formerly Invitae), Labcorp
Classification: Uncertain significance for Saldino-Mainzer syndrome. Last evaluated: 2025-04-28. Review status: criteria provided, single submitter. Criteria: Invitae Variant Classification Sherloc (09022015). Collection method: clinical testing. Allele origin: germline.
Comment: This sequence change replaces glutamic acid, which is acidic and polar, with aspartic acid, which is acidic and polar, at codon 81 of the IFT140 protein (p.Glu81Asp). This variant is present in population databases (no rsID available, gnomAD 0.002%). This variant has not been reported in the literature in individuals affected with IFT140-related conditions. ClinVar contains an entry for this variant (Variation ID: 1504782). Invitae Evidence Modeling of protein sequence and biophysical properties (such as structural, functional, and spatial information, amino acid conservation, physicochemical variation, residue mobility, and thermodynamic stability) indicates that this missense variant is not expected to disrupt IFT140 protein function with a negative predictive value of 95%. In summary, the available evidence is currently insufficient to determine the role of this variant in disease. Therefore, it has been classified as a Variant of Uncertain Significance.

Fulgent Genetics
Classification: Uncertain significance for Saldino-Mainzer syndrome; Retinitis pigmentosa 80. Last evaluated: 2024-05-14. Review status: criteria provided, single submitter. Criteria: ACMG Guidelines, 2015. Collection method: clinical testing. Allele origin: germline.

PreventionGenetics, part of Exact Sciences
Classification: Uncertain significance for IFT140-related condition. Last evaluated: 2024-07-20. Review status: no assertion criteria provided. Collection method: clinical testing. Allele origin: germline. Not counted in ClinVar's aggregate classification.
Comment: The IFT140 c.243G>T variant is predicted to result in the amino acid substitution p.Glu81Asp. To our knowledge, this variant has not been reported in the literature. This variant is reported in 0.0018% of alleles in individuals of European (Non-Finnish) descent in gnomAD. At this time, the clinical significance of this variant is uncertain due to the absence of conclusive functional and genetic evidence.

NM_014714.4(IFT140):c.243G>T (p.Glu81Asp)

Genes: IFT140 (intraflagellar transport 140; minus strand), LOC105371046 (uncharacterized LOC105371046; plus strand). Cytogenetic location: 16p13.3.
Variant type: single nucleotide variant.
Coding change: c.243G>T on transcript NM_014714.4 (MANE Select); coding-DNA position 243, G replaced by T.
Protein change: p.Glu81Asp; replaces glutamic acid 81 with aspartic acid.
Molecular consequence: missense variant.
Genome position (GRCh38, 1-based): chr16:1,602,496, C>A on the plus strand (G>T on the coding strand, the complement: IFT140 is on the minus strand). VCF-style: chr16-1602496-C-A. GRCh37 (hg19) VCF-style: chr16-1652497-C-A.
Other names: c.243G>T (NM_014714.3); short protein forms E81D.
Identifiers: ClinVar variation 1504782 (VCV001504782.8), dbSNP rs1199982756, ClinGen allele CA394223192.
Genomic context (GRCh38, chr16:1,602,496, plus strand): 5'-TGTCAGGGGCATCGTGTGCTGCTCCTTGTCCTGCTTGTTAAACACCGTCACTTCTCCAGT[C>A]TCCCAGCCCACAGCCAGCACCAGCCGCGTCGGGTGCCAGCACAGGGAAGCAACCCGGAAC-3'
Protein context (NP_055529.2, residues 71-91): PTRLVLAVGW[Glu81Asp]TGEVTVFNKQ